The following is an entry in ClinVar:

ClinVar aggregate classification (germline): Likely benign. Review status: criteria provided, multiple submitters, no conflicts (2 of 4 stars). 2 submissions from 2 submitters: Likely benign (2). Last evaluated 2026-01-28.

Submissions (2):

Labcorp Genetics (formerly Invitae), Labcorp
Classification: Likely benign. Last evaluated: 2026-01-28. Review status: criteria provided, single submitter. Criteria: Invitae Variant Classification Sherloc (09022015). Collection method: clinical testing. Allele origin: germline.

CeGaT Center for Human Genetics Tuebingen
Classification: Likely benign. Last evaluated: 2026-01-01. Review status: criteria provided, single submitter. Criteria: CeGaT Center For Human Genetics Tuebingen Variant Classification Criteria Version 2. Collection method: clinical testing. Allele origin: germline. Affected: yes. Observed: 3 variant alleles.
Comment: HIVEP2: BS2

NM_006734.4(HIVEP2):c.1720G>A (p.Asp574Asn)

Gene: HIVEP2 (HIVEP zinc finger 2; minus strand). Cytogenetic location: 6q24.2.
Variant type: single nucleotide variant.
Coding change: c.1720G>A on transcript NM_006734.4 (MANE Select); coding-DNA position 1720, G replaced by A.
Protein change: p.Asp574Asn; replaces aspartic acid 574 with asparagine.
Molecular consequence: missense variant.
Genome position (GRCh38, 1-based): chr6:142,773,019, C>T on the plus strand (G>A on the coding strand, the complement: HIVEP2 is on the minus strand). VCF-style: chr6-142773019-C-T. GRCh37 (hg19) VCF-style: chr6-143094156-C-T.
Other names: c.1720G>A, p.Asp574Asn (NM_001438449.1, NM_001438450.1, NM_001438451.1); short protein forms D574N.
Identifiers: ClinVar variation 4084709 (VCV004084709.9).
Genomic context (GRCh38, chr6:142,773,019, plus strand): 5'-CTTGTCTTCTTAGCATGCGCTGAGGGGGTATGCCCACGGTCCCTGGATAGAATACATCGT[C>T]GGAACCAGTCATCCTTTCATCAAATGAGTGACTTCCTCTCAAAGAAGGAGGAATAGTTAG-3'
Protein context (NP_006725.3, residues 564-584): HSFDERMTGS[Asp574Asn]DVFYPGTVGI